The following is an entry in ClinVar:

ClinVar aggregate classification (germline): Uncertain significance (1 of 4 stars; one submission).

Conditions:
RASopathy. Also called: rasopathies; Noonan spectrum disorder. Identifiers: Orphanet 536391, MedGen C5555857, MONDO:0021060.

Submission:

Labcorp Genetics (formerly Invitae), Labcorp
Classification: Uncertain significance for RASopathy. Last evaluated: 2023-01-09. Review status: criteria provided, single submitter. Criteria: Invitae Variant Classification Sherloc (09022015). Collection method: clinical testing. Allele origin: germline.
Comment: This variant is not present in population databases (gnomAD no frequency). This sequence change replaces proline, which is neutral and non-polar, with leucine, which is neutral and non-polar, at codon 74 of the BRAF protein (p.Pro74Leu). This variant has not been reported in the literature in individuals affected with BRAF-related conditions. In summary, the available evidence is currently insufficient to determine the role of this variant in disease. Therefore, it has been classified as a Variant of Uncertain Significance. Advanced modeling of protein sequence and biophysical properties (such as structural, functional, and spatial information, amino acid conservation, physicochemical variation, residue mobility, and thermodynamic stability) performed at Invitae indicates that this missense variant is expected to disrupt BRAF protein function.

NM_004333.6(BRAF):c.221C>T (p.Pro74Leu)

Gene: BRAF (B-Raf proto-oncogene, serine/threonine kinase; minus strand). Cytogenetic location: 7q34.
Variant type: single nucleotide variant.
Coding change: c.221C>T on transcript NM_004333.6 (MANE Select); coding-DNA position 221, C replaced by T.
Protein change: p.Pro74Leu; replaces proline 74 with leucine.
Molecular consequence: missense variant. On other transcripts: intron variant (1).
Genome position (GRCh38, 1-based): chr7:140,850,130, G>A on the plus strand (C>T on the coding strand, the complement: BRAF is on the minus strand). VCF-style: chr7-140850130-G-A. GRCh37 (hg19) VCF-style: chr7-140549930-G-A.
Other names: c.221C>T, p.Pro74Leu (NM_001354609.2, NM_001374244.1, NM_001374258.1 and 6 more transcripts); c.65C>T, p.Pro22Leu (NM_001378472.1, NM_001378473.1); c.139-15258C>T (NM_001378470.1); short protein forms P22L, P74L.
Identifiers: ClinVar variation 2827234 (VCV002827234.3), dbSNP rs2536569692, ClinGen allele CA369587727.